The following is an entry in ClinVar:

ClinVar aggregate classification (germline): Benign/Likely benign. Review status: criteria provided, multiple submitters, no conflicts (2 of 4 stars). 6 submissions from 6 submitters: Benign (2); Likely benign (3). 1 of the submissions does not count toward it. Last evaluated 2026-02-02.

Conditions:
FRRS1L-related disorder. Also called: FRRS1L-related condition.
Developmental and epileptic encephalopathy, 37 (DEE37). Also called: Epileptic encephalopathy, early infantile, 37. Identifiers: MedGen C4310770, MONDO:0014859, OMIM 616981.

Allele frequency attached by ClinVar (database versions not stated): gnomAD exomes 0.00052; 1000 Genomes Project 0.00280; 1000 Genomes Project 30x 0.00312; TOPMed 0.00462.

Submissions (6):

Labcorp Genetics (formerly Invitae), Labcorp
Classification: Benign for Developmental and epileptic encephalopathy, 37. Last evaluated: 2026-02-02. Review status: criteria provided, single submitter. Criteria: Invitae Variant Classification Sherloc (09022015). Collection method: clinical testing. Allele origin: germline.

CeGaT Center for Human Genetics Tuebingen
Classification: Benign. Last evaluated: 2025-10-01. Review status: criteria provided, single submitter. Criteria: CeGaT Center For Human Genetics Tuebingen Variant Classification Criteria Version 2. Collection method: clinical testing. Allele origin: germline. Affected: yes. Observed: 3 variant alleles.
Comment: FRRS1L: BS1, BS2

Blueprint Genetics
Classification: Likely benign. Last evaluated: 2024-10-03. Review status: criteria provided, single submitter. Criteria: ACMG Guidelines, 2015. Collection method: clinical testing. Allele origin: germline.

GeneDx
Classification: Likely benign. Last evaluated: 2021-02-15. Review status: criteria provided, single submitter. Criteria: GeneDx Variant Classification Process June 2021. Collection method: clinical testing. Allele origin: germline. Affected: yes.

Breakthrough Genomics
Classification: Likely benign. Review status: criteria provided, single submitter. Criteria: ACMG Guidelines, 2015. Collection method: not provided. Allele origin: germline. Inheritance: Autosomal recessive inheritance. Affected: yes.

PreventionGenetics, part of Exact Sciences
Classification: Benign for FRRS1L-related condition. Last evaluated: 2024-08-14. Review status: no assertion criteria provided. Collection method: clinical testing. Allele origin: germline. Not counted in ClinVar's aggregate classification.
Comment: This variant is classified as benign based on ACMG/AMP sequence variant interpretation guidelines (Richards et al. 2015 PMID: 25741868, with internal and published modifications).

NM_014334.4(FRRS1L):c.133C>A (p.Arg45Ser)

Gene: FRRS1L (ferric chelate reductase 1 like; minus strand). Cytogenetic location: 9q31.3.
Variant type: single nucleotide variant.
Coding change: c.133C>A on transcript NM_014334.4 (MANE Select); coding-DNA position 133, C replaced by A.
Protein change: p.Arg45Ser; replaces arginine 45 with serine.
Molecular consequence: missense variant.
Genome position (GRCh38, 1-based): chr9:109,167,006, G>T on the plus strand (C>A on the coding strand, the complement: FRRS1L is on the minus strand). VCF-style: chr9-109167006-G-T. GRCh37 (hg19) VCF-style: chr9-111929286-G-T.
Other names: c.286C>A (NM_014334.3); short protein forms R45S.
Identifiers: ClinVar variation 476301 (VCV000476301.42), dbSNP rs573029562, ClinGen allele CA197585001.